The following is an entry in ClinVar:

ClinVar aggregate classification (germline): Uncertain significance (1 of 4 stars; one submission).

Conditions:
Cranioectodermal dysplasia 1 (CED1). Also called: LEVIN SYNDROME I. Identifiers: Orphanet 1515, MedGen C0432235, MONDO:0021093, OMIM 218330.

Allele frequency attached by ClinVar (database versions not stated): ExAC 0.00001; gnomAD exomes 0.00001; TOPMed 0.00002; gnomAD 0.00003.

Submission:

Labcorp Genetics (formerly Invitae), Labcorp
Classification: Uncertain significance for Cranioectodermal dysplasia 1. Last evaluated: 2021-08-27. Review status: criteria provided, single submitter. Criteria: Invitae Variant Classification Sherloc (09022015). Collection method: clinical testing. Allele origin: germline.
Comment: This sequence change replaces leucine with methionine at codon 305 of the IFT122 protein (p.Leu305Met). The leucine residue is moderately conserved and there is a small physicochemical difference between leucine and methionine. This variant is present in population databases (rs777333238, ExAC 0.001%). This variant has not been reported in the literature in individuals affected with IFT122-related conditions. Algorithms developed to predict the effect of missense changes on protein structure and function are either unavailable or do not agree on the potential impact of this missense change (SIFT: "Tolerated"; PolyPhen-2: "Possibly Damaging"; Align-GVGD: "Class C0"). In summary, the available evidence is currently insufficient to determine the role of this variant in disease. Therefore, it has been classified as a Variant of Uncertain Significance.

NM_052989.3(IFT122):c.760C>A (p.Leu254Met)

Gene: IFT122 (intraflagellar transport 122; plus strand). Cytogenetic location: 3q21.3.
Variant type: single nucleotide variant.
Coding change: c.760C>A on transcript NM_052989.3 (MANE Select); coding-DNA position 760, C replaced by A.
Protein change: p.Leu254Met; replaces leucine 254 with methionine.
Molecular consequence: missense variant.
Genome position (GRCh38, 1-based): chr3:129,469,361, C>A. VCF-style: chr3-129469361-C-A. GRCh37 (hg19) VCF-style: chr3-129188204-C-A.
Other names: c.736C>A, p.Leu246Met (NM_001280541.2); c.310C>A, p.Leu104Met (NM_001280545.2); c.133C>A, p.Leu45Met (NM_001280546.2); c.760C>A, p.Leu254Met (NM_001410808.1, NM_001410809.1); c.583C>A, p.Leu195Met (NM_001410810.1, NM_001410811.1, NM_001410813.1 and 1 more transcripts); c.427C>A, p.Leu143Met (NM_001410815.1, NM_001410817.1, NM_052990.3); c.913C>A, p.Leu305Met (NM_052985.4); short protein forms L104M, L195M, L254M, L246M, L45M, L143M, L305M.
Identifiers: ClinVar variation 2076541 (VCV002076541.1), dbSNP rs777333238, ClinGen allele CA2605984.